The following is an entry in ClinVar:

ClinVar aggregate classification (germline): Uncertain significance. Review status: criteria provided, single submitter (1 of 4 stars). 2 submissions from 2 submitters: Uncertain significance (1). 1 of the submissions does not count toward it. Last evaluated 2025-05-20.

Conditions:
PKD1-related disorder. Also called: PKD1-related condition.
Polycystic kidney disease, adult type (PKD1). Also called: POLYCYSTIC KIDNEY DISEASE, ADULT, TYPE I; Polycystic Kidney, Autosomal Dominant; Polycystic Kidney Disease 1, Autosomal Dominant; Polycystic kidney disease 1; Polycystic kidney disease 1, severe; POLYCYSTIC KIDNEY DISEASE 1 WITH OR WITHOUT POLYCYSTIC LIVER DISEASE. Identifiers: MedGen C3149841, MONDO:0008263, OMIM 173900.

Submissions (2):

Victorian Clinical Genetics Services, Murdoch Childrens Research Institute
Classification: Uncertain significance for Polycystic kidney disease, adult type. Last evaluated: 2025-05-20. Review status: criteria provided, single submitter. Criteria: ACMG Guidelines, 2015. Collection method: clinical testing. Allele origin: germline. Affected: yes.
Comment: This variant is classified as VUS-3A. Evidence in support of pathogenic classification: Variant is absent from gnomAD (v2, v3 and v4); Missense variant predicted to be damaging by in silico tool(s) or highly conserved with a major amino acid change. Additional information: Variant is predicted to result in a missense amino acid change from leucine to proline; This variant is heterozygous; This gene is associated with autosomal dominant disease. Polycystic kidney disease 1 (MIM#173900) is predominantly caused by monoallelic variants, with rare reports of biallelic variants causing disease (OMIM); Alternative amino acid change(s) at the same position are present in gnomAD (highest allele count: v4: 6 heterozygote(s), 0 homozygote(s)); Previous evidence of pathogenicity for this variant is inconclusive. This variant has been classified as a VUS by clinical laboratories in ClinVar, and has been reported in the literature in an individual with polycystic kidney disease (PMID: 26823553); No segregation evidence has been identified for this variant; No published functional evidence has been identified for this variant; No comparable variants have previous evidence for pathogenicity; Variant is not located in an established domain, motif, hotspot or informative constraint region; Loss of function is a known mechanism of disease in this gene and is associated with polycystic kidney disease 1 (MIM#173900); Inheritance information for this variant is not currently available in this individual.

PreventionGenetics, part of Exact Sciences
Classification: Uncertain significance for PKD1-related condition. Last evaluated: 2024-08-21. Review status: no assertion criteria provided. Collection method: clinical testing. Allele origin: germline. Not counted in ClinVar's aggregate classification.
Comment: The PKD1 c.8276T>C variant is predicted to result in the amino acid substitution p.Leu2759Pro. To our knowledge, this variant has not been reported in a large population database, indicating this variant is rare. The p.Leu2759 residue is highly conserved during evolution. This variant was reported in an individual with polycystic kidney disease (Heyer et al. 2016. PubMed ID: 26823553, Supplemental Table 2). Although we highly suspect that this variant is pathogenic, at this time, the clinical significance of this variant is uncertain due to the absence of conclusive functional and genetic evidence.

Literature cited by the submitters: PubMed 26823553 (cited by Victorian Clinical Genetics Services, Murdoch Childrens Research Institute).

NM_001009944.3(PKD1):c.8276T>C (p.Leu2759Pro)

Gene: PKD1 (polycystin 1, transient receptor potential channel interacting; minus strand). Cytogenetic location: 16p13.3.
Variant type: single nucleotide variant.
Coding change: c.8276T>C on transcript NM_001009944.3 (MANE Select); coding-DNA position 8276, T replaced by C.
Protein change: p.Leu2759Pro; replaces leucine 2759 with proline.
Molecular consequence: missense variant.
Genome position (GRCh38, 1-based): chr16:2,103,781, A>G on the plus strand (T>C on the coding strand, the complement: PKD1 is on the minus strand). VCF-style: chr16-2103781-A-G. GRCh37 (hg19) VCF-style: chr16-2153782-A-G.
Other names: c.8276T>C, p.Leu2759Pro (NM_000296.4); short protein forms L2759P.
Identifiers: ClinVar variation 1806304 (VCV001806304.4), dbSNP rs2544746151, ClinGen allele CA394364883.
Genomic context (GRCh38, chr16:2,103,781, plus strand): 5'-TCGCCCGCCAGCGTCAGGGGCTCCTCGTTGAGCACGCGGGAGCGCATGAGGATGCGCATG[A>G]GGGCAGAGGTCAGGTTGTAGGCCTGGGACGCCACCATCCGAGATGGTGACTCGGCTCCCA-3'
Protein context (NP_001009944.3, residues 2749-2769): ASQAYNLTSA[Leu2759Pro]MRILMRSRVL